The following is an entry in ClinVar:

ClinVar aggregate classification (germline): Uncertain significance (1 of 4 stars; one submission).

Conditions:
Arrhythmogenic right ventricular dysplasia 5. Also called: Arrhythmogenic Right Ventricular Dysplasia/Cardiomyopathy 5; ARRHYTHMOGENIC RIGHT VENTRICULAR DYSPLASIA, FAMILIAL, 5. Identifiers: MedGen C1858379, MONDO:0011459, OMIM 604400.

gnomAD v4.1: 1 of 1,612,576 alleles (0.000062%); highest among the groups gnomAD compares: African/African-American, 0.0013%; no homozygotes.

Submission:

Labcorp Genetics (formerly Invitae), Labcorp
Classification: Uncertain significance for Arrhythmogenic right ventricular dysplasia 5. Last evaluated: 2025-08-11. Review status: criteria provided, single submitter. Criteria: Invitae Variant Classification Sherloc (09022015). Collection method: clinical testing. Allele origin: germline.
Comment: This sequence change replaces proline, which is neutral and non-polar, with arginine, which is basic and polar, at codon 253 of the TMEM43 protein (p.Pro253Arg). This variant is present in population databases (rs754105679, gnomAD 0.007%). This variant has not been reported in the literature in individuals affected with TMEM43-related conditions. ClinVar contains an entry for this variant (Variation ID: 3610124). An algorithm developed to predict the effect of missense changes on protein structure and function (PolyPhen-2) suggests that this variant is likely to be disruptive. In summary, the available evidence is currently insufficient to determine the role of this variant in disease. Therefore, it has been classified as a Variant of Uncertain Significance.

NM_024334.3(TMEM43):c.758C>G (p.Pro253Arg)

Gene: TMEM43 (transmembrane protein 43; plus strand). Cytogenetic location: 3p25.1.
Variant type: single nucleotide variant.
Coding change: c.758C>G on transcript NM_024334.3 (MANE Select); coding-DNA position 758, C replaced by G.
Protein change: p.Pro253Arg; replaces proline 253 with arginine.
Molecular consequence: missense variant. On other transcripts: intron variant (1).
Genome position (GRCh38, 1-based): chr3:14,135,210, C>G. VCF-style: chr3-14135210-C-G. GRCh37 (hg19) VCF-style: chr3-14176710-C-G.
Other names: c.761C>G, p.Pro254Arg (NM_001407274.1); c.758C>G, p.Pro253Arg (NM_001407275.1, NM_001407276.1, NM_001407277.1); c.743C>G, p.Pro248Arg (NM_001407278.1); c.608C>G, p.Pro203Arg (NM_001407280.1); c.705+319C>G (NM_001407279.1); short protein forms P203R, P248R, P253R, P254R.
Identifiers: ClinVar variation 3610124 (VCV003610124.2).